The following is an entry in ClinVar:

ClinVar aggregate classification (germline): Pathogenic (1 of 4 stars; one submission).

Conditions:
Frontometaphyseal dysplasia 2 (FMD2). Identifiers: MedGen C4310697, MONDO:0014935, OMIM 617137.

Submission:

3billion
Classification: Pathogenic for Frontometaphyseal dysplasia 2. Last evaluated: 2025-03-18. Review status: criteria provided, single submitter. Criteria: ACMG Guidelines, 2015. Collection method: clinical testing. Allele origin: germline. Affected: yes.
Comment: The variant is not observed in the gnomAD v4.1.0 dataset. Predicted Consequence/Location: Missense variant. Missense changes are a common disease-causing mechanism. Functional studies provide moderate evidence of the variant having a damaging effect on the gene or gene product (PMID: 35730652). In silico tool predictions suggest damaging effect of the variant on gene or gene product [REVEL: 0.88 (>=0.6, sensitivity 0.68 and specificity 0.92); 3Cnet: 0.83 (> 0.75, sensitivity 0.96 and precision 0.92)]. The same nucleotide change resulting in the same amino acid change has been previously reported to be associated with MAP3K7-related disorder (PMID: 35730652). The variant has been previously reported as de novo in a similarly affected individual (PMID: 35730652). Different missense changes at the same codon (p.Gly110Cys, p.Gly110Ser) have been reported as pathogenic/likely pathogenic with strong evidence (ClinVar ID: VCV000264703, VCV002034147 / PMID: 27426734). Therefore, this variant is classified as Pathogenic according to the recommendation of ACMG/AMP guideline.

Literature cited by the submitters: PubMed 27426734; PubMed 35730652.

NM_145331.3(MAP3K7):c.329G>A (p.Gly110Asp)

Gene: MAP3K7 (mitogen-activated protein kinase kinase kinase 7; minus strand). Cytogenetic location: 6q15.
Variant type: single nucleotide variant.
Coding change: c.329G>A on transcript NM_145331.3 (MANE Select); coding-DNA position 329, G replaced by A.
Protein change: p.Gly110Asp; replaces glycine 110 with aspartic acid.
Molecular consequence: missense variant.
Genome position (GRCh38, 1-based): chr6:90,561,636, C>T on the plus strand (G>A on the coding strand, the complement: MAP3K7 is on the minus strand). VCF-style: chr6-90561636-C-T. GRCh37 (hg19) VCF-style: chr6-91271355-C-T.
Other names: c.329G>A, p.Gly110Asp (NM_003188.4, NM_145332.3, NM_145333.3); short protein forms G110D.
Identifiers: ClinVar variation 4292241 (VCV004292241.1).